The following is an entry in ClinVar:

NM_013266.4(CTNNA3):c.493G>A (p.Ala165Thr)

Gene: CTNNA3 (catenin alpha 3; minus strand). Cytogenetic location: 10q21.3.
Variant type: single nucleotide variant.
Coding change: c.493G>A on transcript NM_013266.4 (MANE Select); coding-DNA position 493, G replaced by A.
Protein change: p.Ala165Thr; replaces alanine 165 with threonine.
Molecular consequence: missense variant.
Genome position (GRCh38, 1-based): chr10:67,521,928, C>T on the plus strand (G>A on the coding strand, the complement: CTNNA3 is on the minus strand). VCF-style: chr10-67521928-C-T. GRCh37 (hg19) VCF-style: chr10-69281686-C-T.
Other names: c.493G>A, p.Ala165Thr (NM_001127384.3); c.529G>A, p.Ala177Thr (NM_001291133.2); short protein forms A165T, A177T.
Identifiers: ClinVar variation 1420680 (VCV001420680.10), dbSNP rs765439915, ClinGen allele CA5520594.

ClinVar aggregate classification (germline): Uncertain significance. Review status: criteria provided, multiple submitters, no conflicts (2 of 4 stars). 2 submissions from 2 submitters: Uncertain significance (2). Last evaluated 2022-12-14.

Conditions:
Arrhythmogenic right ventricular dysplasia 13. Also called: Arrhythmogenic right ventricular dysplasia, familial, 13; ARRHYTHMOGENIC RIGHT VENTRICULAR CARDIOMYOPATHY 13. Identifiers: MedGen C3810138, MONDO:0000908, OMIM 615616.

Allele frequency attached by ClinVar (database versions not stated): gnomAD exomes below 0.00001; ExAC 0.00001; TOPMed 0.00002.
gnomAD v4.1: 1 of 1,612,920 alleles (0.000062%); highest among the groups gnomAD compares: Admixed American, 0.0017%; no homozygotes.

Submissions (2):

Labcorp Genetics (formerly Invitae), Labcorp
Classification: Uncertain significance for Arrhythmogenic right ventricular dysplasia 13. Last evaluated: 2022-12-14. Review status: criteria provided, single submitter. Criteria: Invitae Variant Classification Sherloc (09022015). Collection method: clinical testing. Allele origin: germline.
Comment: This variant has not been reported in the literature in individuals affected with CTNNA3-related conditions. ClinVar contains an entry for this variant (Variation ID: 1420680). Advanced modeling of protein sequence and biophysical properties (such as structural, functional, and spatial information, amino acid conservation, physicochemical variation, residue mobility, and thermodynamic stability) performed at Invitae indicates that this missense variant is not expected to disrupt CTNNA3 protein function. In summary, the available evidence is currently insufficient to determine the role of this variant in disease. Therefore, it has been classified as a Variant of Uncertain Significance. This sequence change replaces alanine, which is neutral and non-polar, with threonine, which is neutral and polar, at codon 165 of the CTNNA3 protein (p.Ala165Thr). This variant is present in population databases (rs765439915, gnomAD 0.003%).

Ambry Genetics
Classification: Uncertain significance. Last evaluated: 2021-09-26. Review status: criteria provided, single submitter. Criteria: Ambry Variant Classification Scheme 2023. Collection method: clinical testing. Allele origin: germline.
Comment: The p.A165T variant (also known as c.493G>A), located in coding exon 4 of the CTNNA3 gene, results from a G to A substitution at nucleotide position 493. The alanine at codon 165 is replaced by threonine, an amino acid with similar properties. This amino acid position is conserved. In addition, this alteration is predicted to be tolerated by in silico analysis. Since supporting evidence is limited at this time, the clinical significance of this alteration remains unclear.